The following is an entry in ClinVar:

NM_000245.4(MET):c.*1028A>G

Gene: MET (MET proto-oncogene, receptor tyrosine kinase; plus strand). Cytogenetic location: 7q31.2.
Variant type: single nucleotide variant.
Coding change: c.*1028A>G on transcript NM_000245.4 (MANE Select); 1028 bases downstream of the stop codon, A replaced by G.
Molecular consequence: 3 prime UTR variant.
Genome position (GRCh38, 1-based): chr7:116,797,152, A>G. VCF-style: chr7-116797152-A-G. GRCh37 (hg19) VCF-style: chr7-116437206-A-G.
Other names: c.*1028A>G (LRG_662t1, NM_001127500.3, NM_001324402.2).
Identifiers: ClinVar variation 358713 (VCV000358713.6), dbSNP rs41738, ClinGen allele CA10628032.

ClinVar aggregate classification (germline): Benign. Review status: criteria provided, multiple submitters, no conflicts (2 of 4 stars). 2 submissions from 2 submitters: Benign (2). Last evaluated 2018-01-13.

Conditions:
Papillary renal cell carcinoma type 1 (RCCP1). Also called: RENAL CELL CARCINOMA, PAPILLARY, 1, SOMATIC; Renal adenocarcinoma; Renal cell carcinoma 1; Renal cell carcinoma, somatic. Identifiers: Orphanet 47044, MedGen C1336839, OMIM 605074, HP:0011797.

Allele frequency attached by ClinVar (database versions not stated): gnomAD 0.34071 and 0.35022; TOPMed 0.34584; 1000 Genomes Project 30x 0.34994; 1000 Genomes Project 0.35463; gnomAD exomes 0.44110.
gnomAD v4.1: 74,302 of 200,028 alleles (37%); highest among the groups gnomAD compares: East Asian, 49%; 15,928 homozygotes.

Submissions (2):

Illumina Laboratory Services, Illumina
Classification: Benign for Papillary renal cell carcinoma type 1. Last evaluated: 2018-01-13. Review status: criteria provided, single submitter. Criteria: ICSL Variant Classification Criteria 13 December 2019. Collection method: clinical testing. Allele origin: germline.
Comment: This variant was observed in the ICSL laboratory as part of a predisposition screen in an ostensibly healthy population. It had not been previously curated by ICSL or reported in the Human Gene Mutation Database (HGMD: prior to June 1st, 2018), and was therefore a candidate for classification through an automated scoring system. Utilizing variant allele frequency, disease prevalence and penetrance estimates, and inheritance mode, an automated score was calculated to assess if this variant is too frequent to cause the disease. Based on the score and internal cut-off values, a variant classified as benign is not then subjected to further curation. The score for this variant resulted in a classification of benign for this disease.

Breakthrough Genomics
Classification: Benign. Review status: criteria provided, single submitter. Criteria: ACMG Guidelines, 2015. Collection method: not provided. Allele origin: germline. Inheritance: Autosomal recessive inheritance. Affected: yes.